The following is an entry in ClinVar:

ClinVar aggregate classification (germline): Uncertain significance (1 of 4 stars; one submission).

gnomAD v4.1: 3 of 1,614,122 alleles (0.00019%); highest among the groups gnomAD compares: Admixed American, 0.0017%; no homozygotes.

Submission:

GeneDx
Classification: Uncertain significance. Last evaluated: 2024-10-10. Review status: criteria provided, single submitter. Criteria: GeneDx Variant Classification Process June 2021. Collection method: clinical testing. Allele origin: germline. Affected: yes.
Comment: In silico analysis indicates that this variant does not alter splicing; Has not been previously published as pathogenic or benign to our knowledge

NM_003070.5(SMARCA2):c.4248A>G (p.Gly1416=)

Gene: SMARCA2 (SWI/SNF related BAF chromatin remodeling complex subunit ATPase 2; plus strand). Cytogenetic location: 9p24.3.
Variant type: single nucleotide variant.
Coding change: c.4248A>G on transcript NM_003070.5 (MANE Select); coding-DNA position 4248, A replaced by G.
Protein change: p.Gly1416=; no amino-acid change (glycine 1416 retained).
Molecular consequence: synonymous variant. On other transcripts: intron variant (5).
Genome position (GRCh38, 1-based): chr9:2,170,467, A>G. VCF-style: chr9-2170467-A-G. GRCh37 (hg19) VCF-style: chr9-2170467-A-G.
Other names: c.4248A>G, p.Gly1416= (NM_001289396.2); c.4199+8564A>G (NM_139045.4); c.4025+8564A>G (NM_001289397.2); c.227+8564A>G (NM_001289398.2); c.317+8564A>G (NM_001289400.2); c.311+8564A>G (NM_001289399.2).
Identifiers: ClinVar variation 3777538 (VCV003777538.1).